The following is an entry in ClinVar:

NM_001371727.1(GABRB2):c.348G>C (p.Trp116Cys)

Gene: GABRB2 (gamma-aminobutyric acid type A receptor subunit beta2; minus strand). Cytogenetic location: 5q34.
Variant type: single nucleotide variant.
Coding change: c.348G>C on transcript NM_001371727.1 (MANE Select); coding-DNA position 348, G replaced by C.
Protein change: p.Trp116Cys; replaces tryptophan 116 with cysteine.
Molecular consequence: missense variant.
Genome position (GRCh38, 1-based): chr5:161,459,734, C>G on the plus strand (G>C on the coding strand, the complement: GABRB2 is on the minus strand). VCF-style: chr5-161459734-C-G. GRCh37 (hg19) VCF-style: chr5-160886740-C-G.
Other names: c.348G>C, p.Trp116Cys (NM_000813.3, NM_021911.3); short protein forms W116C.
Identifiers: ClinVar variation 1801148 (VCV001801148.1), dbSNP rs1758062506, ClinGen allele CA362173937.
Genomic context (GRCh38, chr5:161,459,734, plus strand): 5'-CTTAACAGTCACTCCGTGCACAAATGACTTCTTATCGTTCAGGAAATAGGTATCAGGCAC[C>G]CAGAGCTGGTCTGCCACTCTGTTGTCCAGAGTCAAGTTTAAAGGTATTACATTATAGGAC-3'
Protein context (NP_001358656.1, residues 106-126): TLDNRVADQL[Trp116Cys]VPDTYFLNDK

ClinVar aggregate classification (germline): Uncertain significance (1 of 4 stars; one submission).

Submission:

GeneDx
Classification: Uncertain significance. Last evaluated: 2022-05-27. Review status: criteria provided, single submitter. Criteria: GeneDx Variant Classification Process June 2021. Collection method: clinical testing. Allele origin: germline. Affected: yes.
Comment: Not observed at significant frequency in large population cohorts (gnomAD); In silico analysis supports that this missense variant has a deleterious effect on protein structure/function; Has not been previously published as pathogenic or benign to our knowledge